The following is an entry in ClinVar:

ClinVar aggregate classification (germline): Uncertain significance. Review status: criteria provided, multiple submitters, no conflicts (2 of 4 stars). 3 submissions from 3 submitters: Uncertain significance (3). Last evaluated 2025-10-21.

Conditions:
MEGF8-related Carpenter syndrome. Also called: Carpenter syndrome 2. Identifiers: Orphanet 65759, MedGen C3554247, MONDO:0013998, OMIM 614976.
Inborn genetic diseases. Identifiers: MedGen C0950123, MeSH D030342.

Allele frequency attached by ClinVar (database versions not stated): ExAC 0.00001; gnomAD exomes 0.00001.
gnomAD v4.1: 7 of 1,603,746 alleles (0.00044%); highest among the groups gnomAD compares: African/African-American, 0.0013%; no homozygotes.

Submissions (3):

Ambry Genetics
Classification: Uncertain significance for Inborn genetic diseases. Last evaluated: 2025-10-21. Review status: criteria provided, single submitter. Criteria: Ambry Variant Classification Scheme 2023. Collection method: clinical testing. Allele origin: germline.

Labcorp Genetics (formerly Invitae), Labcorp
Classification: Uncertain significance for MEGF8-related Carpenter syndrome. Last evaluated: 2023-03-20. Review status: criteria provided, single submitter. Criteria: Invitae Variant Classification Sherloc (09022015). Collection method: clinical testing. Allele origin: germline.
Comment: An algorithm developed to predict the effect of missense changes on protein structure and function (PolyPhen-2) suggests that this variant is likely to be tolerated. In summary, the available evidence is currently insufficient to determine the role of this variant in disease. Therefore, it has been classified as a Variant of Uncertain Significance. ClinVar contains an entry for this variant (Variation ID: 502123). This variant has not been reported in the literature in individuals affected with MEGF8-related conditions. The frequency data for this variant in the population databases is considered unreliable, as metrics indicate poor data quality at this position in the gnomAD database. This sequence change replaces glutamic acid, which is acidic and polar, with lysine, which is basic and polar, at codon 1741 of the MEGF8 protein (p.Glu1741Lys).

Eurofins Ntd Llc (ga)
Classification: Uncertain significance. Last evaluated: 2017-05-26. Review status: criteria provided, single submitter. Criteria: EGL Classification Definitions 2015. Collection method: clinical testing. Allele origin: germline. Observed: 1 variant allele, 1 homozygote.

NM_001271938.2(MEGF8):c.5422G>A (p.Glu1808Lys)

Gene: MEGF8 (multiple EGF like domains 8; plus strand). Cytogenetic location: 19q13.2.
Variant type: single nucleotide variant.
Coding change: c.5422G>A on transcript NM_001271938.2 (MANE Select); coding-DNA position 5422, G replaced by A.
Protein change: p.Glu1808Lys; replaces glutamic acid 1808 with lysine.
Molecular consequence: missense variant.
Genome position (GRCh38, 1-based): chr19:42,359,176, G>A. VCF-style: chr19-42359176-G-A. GRCh37 (hg19) VCF-style: chr19-42863328-G-A.
Other names: c.5221G>A, p.Glu1741Lys (NM_001410.3); c.5221G>A (NM_001410.2); short protein forms E1741K, E1808K.
Identifiers: ClinVar variation 502123 (VCV000502123.9), dbSNP rs771890594, ClinGen allele CA9475571.